The following is an entry in ClinVar:

ClinVar aggregate classification (germline): Uncertain significance. Review status: criteria provided, multiple submitters, no conflicts (2 of 4 stars). 2 submissions from 2 submitters: Uncertain significance (2). Last evaluated 2025-05-18.

Conditions:
Alagille syndrome due to a NOTCH2 point mutation. Also called: Alagille syndrome 2. Identifiers: Orphanet 261629, Orphanet 52, MedGen C1857761, MONDO:0012439, OMIM 610205.
Hajdu-Cheney syndrome (HJCYS). Also called: SERPENTINE FIBULA-POLYCYSTIC KIDNEY SYNDROME; ACROOSTEOLYSIS WITH OSTEOPOROSIS AND CHANGES IN SKULL AND MANDIBLE; Acroosteolysis dominant type. Identifiers: Orphanet 955, MedGen C0917715, MONDO:0007057, OMIM 102500.

Allele frequency attached by ClinVar (database versions not stated): gnomAD exomes below 0.00001; gnomAD 0.00001.
gnomAD v4.1: 5 of 1,613,992 alleles (0.00031%); highest among the groups gnomAD compares: Admixed American, 0.0067%; no homozygotes.

Submissions (2):

Labcorp Genetics (formerly Invitae), Labcorp
Classification: Uncertain significance for Hajdu-Cheney syndrome. Last evaluated: 2025-05-18. Review status: criteria provided, single submitter. Criteria: Invitae Variant Classification Sherloc (09022015). Collection method: clinical testing. Allele origin: germline.
Comment: This sequence change replaces asparagine, which is neutral and polar, with aspartic acid, which is acidic and polar, at codon 1156 of the NOTCH2 protein (p.Asn1156Asp). This variant is not present in population databases (gnomAD no frequency). This variant has not been reported in the literature in individuals affected with NOTCH2-related conditions. ClinVar contains an entry for this variant (Variation ID: 1009153). Invitae Evidence Modeling of protein sequence and biophysical properties (such as structural, functional, and spatial information, amino acid conservation, physicochemical variation, residue mobility, and thermodynamic stability) indicates that this missense variant is not expected to disrupt NOTCH2 protein function with a negative predictive value of 80%. In summary, the available evidence is currently insufficient to determine the role of this variant in disease. Therefore, it has been classified as a Variant of Uncertain Significance.

Fulgent Genetics
Classification: Uncertain significance for Hajdu-Cheney syndrome; Alagille syndrome due to a NOTCH2 point mutation. Last evaluated: 2024-02-26. Review status: criteria provided, single submitter. Criteria: ACMG Guidelines, 2015. Collection method: clinical testing. Allele origin: germline.

NM_024408.4(NOTCH2):c.3466A>G (p.Asn1156Asp)

Gene: NOTCH2 (notch receptor 2; minus strand). Cytogenetic location: 1p12.
Variant type: single nucleotide variant.
Coding change: c.3466A>G on transcript NM_024408.4 (MANE Select); coding-DNA position 3466, A replaced by G.
Protein change: p.Asn1156Asp; replaces asparagine 1156 with aspartic acid.
Molecular consequence: missense variant.
Genome position (GRCh38, 1-based): chr1:119,937,338, T>C on the plus strand (A>G on the coding strand, the complement: NOTCH2 is on the minus strand). VCF-style: chr1-119937338-T-C. GRCh37 (hg19) VCF-style: chr1-120479961-T-C.
Other names: c.3466A>G, p.Asn1156Asp (NM_001200001.2); short protein forms N1156D.
Identifiers: ClinVar variation 1009153 (VCV001009153.10), dbSNP rs1649892979, ClinGen allele CA341851926.